The following is an entry in ClinVar:

ClinVar aggregate classification (germline): Uncertain significance (1 of 4 stars; one submission).

Conditions:
Emery-Dreifuss muscular dystrophy 5, autosomal dominant (EDMD5). Also called: EMERY-DREIFUSS MUSCULAR DYSTROPHY 5. Identifiers: Orphanet 261, MedGen C2751805, MONDO:0013072, OMIM 612999.

Submission:

Labcorp Genetics (formerly Invitae), Labcorp
Classification: Uncertain significance for Emery-Dreifuss muscular dystrophy 5, autosomal dominant. Last evaluated: 2023-10-22. Review status: criteria provided, single submitter. Criteria: Invitae Variant Classification Sherloc (09022015). Collection method: clinical testing. Allele origin: germline.
Comment: This sequence change replaces serine, which is neutral and polar, with tyrosine, which is neutral and polar, at codon 413 of the SYNE2 protein (p.Ser413Tyr). This variant is not present in population databases (gnomAD no frequency). This variant has not been reported in the literature in individuals affected with SYNE2-related conditions. An algorithm developed to predict the effect of missense changes on protein structure and function (PolyPhen-2) suggests that this variant is likely to be disruptive. In summary, the available evidence is currently insufficient to determine the role of this variant in disease. Therefore, it has been classified as a Variant of Uncertain Significance.

NM_182914.3(SYNE2):c.1238C>A (p.Ser413Tyr)

Gene: SYNE2 (spectrin repeat containing nuclear envelope protein 2; plus strand). Cytogenetic location: 14q23.2.
Variant type: single nucleotide variant.
Coding change: c.1238C>A on transcript NM_182914.3 (MANE Select); coding-DNA position 1238, C replaced by A.
Protein change: p.Ser413Tyr; replaces serine 413 with tyrosine.
Molecular consequence: missense variant.
Genome position (GRCh38, 1-based): chr14:63,976,672, C>A. VCF-style: chr14-63976672-C-A. GRCh37 (hg19) VCF-style: chr14-64443390-C-A.
Other names: c.1238C>A, p.Ser413Tyr (NM_015180.6); short protein forms S413Y.
Identifiers: ClinVar variation 2770745 (VCV002770745.3), dbSNP rs777663838, ClinGen allele CA389955379.